The following is an entry in ClinVar:

ClinVar aggregate classification (germline): Likely benign (1 of 4 stars; one submission).

Allele frequency attached by ClinVar (database versions not stated): gnomAD exomes below 0.00001; TOPMed below 0.00001.
gnomAD v4.1: 1 of 1,550,512 alleles (0.000064%); highest among the groups gnomAD compares: South Asian, 0.0012%; no homozygotes.

Submission:

CeGaT Center for Human Genetics Tuebingen
Classification: Likely benign. Last evaluated: 2023-08-01. Review status: criteria provided, single submitter. Criteria: CeGaT Center For Human Genetics Tuebingen Variant Classification Criteria Version 2. Collection method: clinical testing. Allele origin: germline. Affected: yes. Observed: 1 variant allele.
Comment: LRTOMT: PM2:Supporting, BP4, BP7

NM_001145308.5(LRTOMT):c.708A>G (p.Ala236=)

Genes: ANAPC15 (anaphase promoting complex subunit 15; minus strand), LRTOMT (leucine rich transmembrane and O-methyltransferase domain containing; plus strand), TOMT (transmembrane O-methyltransferase; plus strand). Cytogenetic location: 11q13.4.
Variant type: single nucleotide variant.
Coding change: c.708A>G on transcript NM_001145308.5; coding-DNA position 708, A replaced by G.
Protein change: p.Ala236=; no amino-acid change (alanine 236 retained).
Molecular consequence: synonymous variant. On other transcripts: 3 prime UTR variant (3), non-coding transcript variant (1), intron variant (7).
Genome position (GRCh38, 1-based): chr11:72,108,757, A>G. VCF-style: chr11-72108757-A-G. GRCh37 (hg19) VCF-style: chr11-71819803-A-G.
Other names: c.609A>G, p.Ala203= (NM_001393500.2); c.708A>G, p.Ala236= (NM_001145309.4); c.588A>G, p.Ala196= (NM_001145310.4); c.*62T>C (NM_001393443.1, NM_001393444.1, NM_001393445.1); c.64-1152T>C (NM_001393459.1); c.319-1152T>C (NM_001393430.1, NM_001393429.1, NM_001393428.1 and 3 more transcripts).
Identifiers: ClinVar variation 2642118 (VCV002642118.22), dbSNP rs1946003033, ClinGen allele CA475592608.